The following is an entry in ClinVar:

ClinVar aggregate classification (germline): Uncertain significance. Review status: criteria provided, multiple submitters, no conflicts (2 of 4 stars). 2 submissions from 2 submitters: Uncertain significance (2). Last evaluated 2020-11-06.

Conditions:
Progressive myoclonic epilepsy type 9. Identifiers: Orphanet 457265, MedGen C4225289, MONDO:0014685, OMIM 616540.
Lipodystrophy, partial, acquired, susceptibility to (APLD). Also called: APLD, SUSCEPTIBILITY TO. Identifiers: MedGen C3887501, MONDO:0100476, OMIM 608709.

Allele frequency attached by ClinVar (database versions not stated): TOPMed below 0.00001.

Submissions (2):

Labcorp Genetics (formerly Invitae), Labcorp
Classification: Uncertain significance for Progressive myoclonic epilepsy type 9; Lipodystrophy, partial, acquired, susceptibility to. Last evaluated: 2020-11-06. Review status: criteria provided, single submitter. Criteria: Invitae Variant Classification Sherloc (09022015). Collection method: clinical testing. Allele origin: germline.
Comment: This variant has not been reported in the literature in individuals with LMNB2-related conditions. In summary, the available evidence is currently insufficient to determine the role of this variant in disease. Therefore, it has been classified as a Variant of Uncertain Significance. Algorithms developed to predict the effect of missense changes on protein structure and function are either unavailable or do not agree on the potential impact of this missense change (SIFT: "Deleterious"; PolyPhen-2: "Possibly Damaging"; Align-GVGD: "Class C0"). This variant is not present in population databases (ExAC no frequency). This sequence change replaces histidine with arginine at codon 191 of the LMNB2 protein (p.His191Arg). The histidine residue is highly conserved and there is a small physicochemical difference between histidine and arginine.

Baylor Genetics
Classification: Uncertain significance for Progressive myoclonic epilepsy type 9. Last evaluated: 2018-04-02. Review status: criteria provided, single submitter. Criteria: ACMG Guidelines, 2015. Collection method: clinical testing. Allele origin: unknown. Affected: yes.
Comment: This variant was determined to be of uncertain significance according to ACMG Guidelines, 2015 [PMID:25741868].

NM_032737.4(LMNB2):c.572A>G (p.His191Arg)

Gene: LMNB2 (lamin B2; minus strand). Cytogenetic location: 19p13.3.
Variant type: single nucleotide variant.
Coding change: c.572A>G on transcript NM_032737.4 (MANE Select); coding-DNA position 572, A replaced by G.
Protein change: p.His191Arg; replaces histidine 191 with arginine.
Molecular consequence: missense variant.
Genome position (GRCh38, 1-based): chr19:2,438,275, T>C on the plus strand (A>G on the coding strand, the complement: LMNB2 is on the minus strand). VCF-style: chr19-2438275-T-C. GRCh37 (hg19) VCF-style: chr19-2438273-T-C.
Other names: short protein forms H191R.
Identifiers: ClinVar variation 1034158 (VCV001034158.8), dbSNP rs1971851658, ClinGen allele CA403257326.